The following is an entry in ClinVar:

NM_000222.3(KIT):c.1891T>G (p.Leu631Val)

Gene: KIT (KIT proto-oncogene, receptor tyrosine kinase; plus strand). Cytogenetic location: 4q12.
Variant type: single nucleotide variant.
Coding change: c.1891T>G on transcript NM_000222.3 (MANE Select); coding-DNA position 1891, T replaced by G.
Protein change: p.Leu631Val; replaces leucine 631 with valine.
Molecular consequence: missense variant.
Genome position (GRCh38, 1-based): chr4:54,728,022, T>G. VCF-style: chr4-54728022-T-G. GRCh37 (hg19) VCF-style: chr4-55594188-T-G.
Other names: c.1879T>G, p.Leu627Val (NM_001093772.2, NM_001385286.1); c.1894T>G, p.Leu632Val (NM_001385284.1, NM_001385290.1); c.1891T>G, p.Leu631Val (NM_001385285.1); c.1882T>G, p.Leu628Val (NM_001385288.1, NM_001385292.1); short protein forms L627V, L628V, L632V, L631V.
Identifiers: ClinVar variation 5023317 (VCV005023317.1).
Genomic context (GRCh38, chr4:54,728,022, plus strand): 5'-TCAGTTTGCCAGTTGTGCTTTTTGCTAAAATGCATGTTTCCAATTTTAGCGAGTGCCCAT[T>G]TGACAGAACGGGAAGCCCTCATGTCTGAACTCAAAGTCCTGAGTTACCTTGGTAATCACA-3'
Protein context (NP_000213.1, residues 621-641): AVKMLKPSAH[Leu631Val]TEREALMSEL

ClinVar aggregate classification (germline): Uncertain significance (1 of 4 stars; one submission).

Conditions:
Hereditary cancer-predisposing syndrome. Also called: Neoplastic Syndromes, Hereditary; Tumor predisposition; Hereditary neoplastic syndrome; Hereditary Cancer Syndrome. Identifiers: Orphanet 140162, MedGen C0027672, MeSH D009386, MONDO:0015356.

Submission:

Ambry Genetics
Classification: Uncertain significance for Hereditary cancer-predisposing syndrome. Last evaluated: 2026-07-07. Review status: criteria provided, single submitter. Criteria: Ambry Variant Classification Scheme 2023. Collection method: clinical testing. Allele origin: germline.
Comment: The p.L631V variant (also known as c.1891T>G), located in coding exon 13 of the KIT gene, results from a T to G substitution at nucleotide position 1891. The leucine at codon 631 is replaced by valine, an amino acid with highly similar properties. This amino acid position is conserved. In addition, this alteration is predicted to be tolerated by in silico analysis. Based on the available evidence, the clinical significance of this variant remains unclear.